The following is an entry in ClinVar:

NM_001367721.1(CASK):c.1155+4A>G

Gene: CASK (calcium/calmodulin dependent serine protein kinase; minus strand). Cytogenetic location: Xp11.4.
Variant type: single nucleotide variant.
Coding change: c.1155+4A>G on transcript NM_001367721.1 (MANE Select); 4 bases into the intron after coding-DNA position 1155, A replaced by G.
Molecular consequence: intron variant.
Genome position (GRCh38, 1-based): chrX:41,609,900, T>C on the plus strand (A>G on the coding strand, the complement: CASK is on the minus strand). VCF-style: chrX-41609900-T-C. GRCh37 (hg19) VCF-style: chrX-41469153-T-C.
Other names: c.1137+4A>G (NM_001126055.3, NM_001410745.1); c.1155+4A>G (NM_001126054.3, NM_003688.4).
Identifiers: ClinVar variation 5008924 (VCV005008924.1).

ClinVar aggregate classification (germline): Uncertain significance (1 of 4 stars; one submission).

Submission:

GeneDx
Classification: Uncertain significance. Last evaluated: 2026-03-10. Review status: criteria provided, single submitter. Criteria: GeneDx Variant Classification Process June 2021. Collection method: clinical testing. Allele origin: germline.
Comment: Not observed at significant frequency in large population cohorts (gnomAD); In silico analysis supports a deleterious effect on splicing; Has not been previously published as pathogenic or benign to our knowledge